The following is an entry in ClinVar:

NM_001743.6(CALM2):c.307G>A (p.Ala103Thr)

Gene: CALM2 (calmodulin 2; minus strand). Cytogenetic location: 2p21.
Variant type: single nucleotide variant.
Coding change: c.307G>A on transcript NM_001743.6 (MANE Select); coding-DNA position 307, G replaced by A.
Protein change: p.Ala103Thr; replaces alanine 103 with threonine.
Molecular consequence: missense variant.
Genome position (GRCh38, 1-based): chr2:47,161,837, C>T on the plus strand (G>A on the coding strand, the complement: CALM2 is on the minus strand). VCF-style: chr2-47161837-C-T. GRCh37 (hg19) VCF-style: chr2-47388976-C-T.
Other names: c.451G>A, p.Ala151Thr (NM_001305624.1); c.199G>A, p.Ala67Thr (NM_001305625.2, NM_001305626.1); short protein forms A67T, A103T, A151T.
Identifiers: ClinVar variation 2768970 (VCV002768970.3), dbSNP rs2465707270, ClinGen allele CA346719259.

ClinVar aggregate classification (germline): Uncertain significance (1 of 4 stars; one submission).

Conditions:
Long QT syndrome 1 (LQT1). Identifiers: Orphanet 101016, Orphanet 768, MedGen C4551647, MONDO:0100316, OMIM 192500, MONDO:0008646.

Submission:

Labcorp Genetics (formerly Invitae), Labcorp
Classification: Uncertain significance for Long QT syndrome 1. Last evaluated: 2023-10-16. Review status: criteria provided, single submitter. Criteria: Invitae Variant Classification Sherloc (09022015). Collection method: clinical testing. Allele origin: germline.
Comment: This sequence change replaces alanine, which is neutral and non-polar, with threonine, which is neutral and polar, at codon 103 of the CALM2 protein (p.Ala103Thr). This variant is not present in population databases (gnomAD no frequency). This variant has not been reported in the literature in individuals affected with CALM2-related conditions. An algorithm developed to predict the effect of missense changes on protein structure and function (PolyPhen-2) suggests that this variant is likely to be disruptive. In summary, the available evidence is currently insufficient to determine the role of this variant in disease. Therefore, it has been classified as a Variant of Uncertain Significance.